The following is an entry in ClinVar:

ClinVar aggregate classification (germline): Likely pathogenic. Review status: criteria provided, multiple submitters, no conflicts (2 of 4 stars). 3 submissions from 3 submitters: Likely pathogenic (2). 1 of the submissions does not count toward it. Last evaluated 2025-12-09.

Conditions:
Hereditary cancer-predisposing syndrome. Also called: Neoplastic Syndromes, Hereditary; Tumor predisposition; Hereditary Cancer Syndrome; Hereditary neoplastic syndrome. Identifiers: Orphanet 140162, MedGen C0027672, MeSH D009386, MONDO:0015356.
Tuberous sclerosis syndrome (TSC). Also called: Tuberous Sclerosis Complex; Tuberous sclerosis. Identifiers: Orphanet 805, MedGen C0041341, MONDO:0001734.
Tuberous sclerosis 2 (TSC2). Identifiers: Orphanet 805, MedGen C1860707, MONDO:0013199, OMIM 613254.

Submissions (3):

Ambry Genetics
Classification: Likely pathogenic for Hereditary cancer-predisposing syndrome. Last evaluated: 2025-12-09. Review status: criteria provided, single submitter. Criteria: Ambry Variant Classification Scheme 2023. Collection method: clinical testing. Allele origin: germline.
Comment: The p.L1584R variant (also known as c.4751T>G), located in coding exon 36 of the TSC2 gene, results from a T to G substitution at nucleotide position 4751. The leucine at codon 1584 is replaced by arginine, an amino acid with dissimilar properties. This variant was reported in individual(s) with features consistent with Tuberous sclerosis complex (Ambry internal data; Hoogeveen-Westerveld M et al. Hum Mutat, 2013 Jan;34:167-75). This variant is considered to be rare based on population cohorts in the Genome Aggregation Database (gnomAD). Functional assessment of the p.L1584R variant demonstrated that the mean T389/S6K ratio was significantly higher than that of wild-type TSC2 indicating reduced TSC1-TSC2-dependent inhibition of TORC1 activity (Hoogeveen-Westerveld M et al. Hum Mutat, 2013 Jan;34:167-75). This amino acid position is highly conserved in available vertebrate species. In addition, this alteration is predicted to be deleterious by in silico analysis. Based on the majority of available evidence to date, this variant is likely to be pathogenic.

Labcorp Genetics (formerly Invitae), Labcorp
Classification: Likely pathogenic for Tuberous sclerosis 2. Last evaluated: 2022-05-30. Review status: criteria provided, single submitter. Criteria: Invitae Variant Classification Sherloc (09022015). Collection method: clinical testing. Allele origin: germline.
Comment: This sequence change replaces leucine, which is neutral and non-polar, with arginine, which is basic and polar, at codon 1584 of the TSC2 protein (p.Leu1584Arg). In summary, the currently available evidence indicates that the variant is pathogenic, but additional data are needed to prove that conclusively. Therefore, this variant has been classified as Likely Pathogenic. Experimental studies have shown that this missense change affects TSC2 function (PMID: 22903760). Advanced modeling of protein sequence and biophysical properties (such as structural, functional, and spatial information, amino acid conservation, physicochemical variation, residue mobility, and thermodynamic stability) performed at Invitae indicates that this missense variant is expected to disrupt TSC2 protein function. ClinVar contains an entry for this variant (Variation ID: 50096). This missense change has been observed in individual(s) with clinical features of tuberous sclerosis complex (PMID: 22903760; Invitae). This variant is not present in population databases (gnomAD no frequency).

Tuberous sclerosis database (TSC2)
No classification provided. Condition: TSC. Review status: no classification provided. Criteria: Tuberous Sclerosis Database Assertion Criteria 2015. Collection method: curation. Allele origin: germline. Affected: yes. Not counted in ClinVar's aggregate classification.

Literature cited by the submitters: PubMed 22903760 (cited by Ambry Genetics and Labcorp Genetics (formerly Invitae), Labcorp).

NM_000548.5(TSC2):c.4751T>G (p.Leu1584Arg)

Gene: TSC2 (TSC complex subunit 2; plus strand). Cytogenetic location: 16p13.3.
Variant type: single nucleotide variant.
Coding change: c.4751T>G on transcript NM_000548.5 (MANE Select); coding-DNA position 4751, T replaced by G.
Protein change: p.Leu1584Arg; replaces leucine 1584 with arginine.
Molecular consequence: missense variant.
Genome position (GRCh38, 1-based): chr16:2,086,281, T>G. VCF-style: chr16-2086281-T-G. GRCh37 (hg19) VCF-style: chr16-2136282-T-G.
Other names: c.4550T>G, p.Leu1517Arg (NM_001077183.3); c.4682T>G, p.Leu1561Arg (NM_001114382.3); c.4442T>G, p.Leu1481Arg (NM_001318827.2); c.4406T>G, p.Leu1469Arg (NM_001318829.2); c.4019T>G, p.Leu1340Arg (NM_001318831.2); c.4583T>G, p.Leu1528Arg (NM_001318832.2); c.4553T>G, p.Leu1518Arg (NM_001363528.2); c.4619T>G, p.Leu1540Arg (NM_001370404.1); and 1 more; short protein forms L1584R, L1469R, L1518R, L1481R, L1340R, L1517R, L1528R, L1540R.
Identifiers: ClinVar variation 50096 (VCV000050096.11), dbSNP rs137854203, ClinGen allele CA020979.